The following is an entry in ClinVar:

ClinVar aggregate classification (germline): Uncertain significance. Review status: criteria provided, multiple submitters, no conflicts (2 of 4 stars). 3 submissions from 3 submitters: Uncertain significance (3). Last evaluated 2025-06-03.

Conditions:
Short-rib thoracic dysplasia 18 with polydactyly. Identifiers: MedGen C4693420, MONDO:0036483, OMIM 617866.
Retinitis pigmentosa 81 (RP81). Identifiers: MedGen C4693443, MONDO:0036482, OMIM 617871.
Cranioectodermal dysplasia 3 (CED3). Identifiers: Orphanet 1515, MedGen C3279807, MONDO:0013573, OMIM 614099.

Allele frequency attached by ClinVar (database versions not stated): gnomAD 0.00001; TOPMed 0.00003; ExAC 0.00006; gnomAD exomes 0.00006.
gnomAD v4.1: 20 of 1,614,022 alleles (0.0012%); highest among the groups gnomAD compares: Admixed American, 0.028%; no homozygotes.

Submissions (3):

Ambry Genetics
Classification: Uncertain significance. Last evaluated: 2025-06-03. Review status: criteria provided, single submitter. Criteria: Ambry Variant Classification Scheme 2023. Collection method: clinical testing. Allele origin: germline.

Labcorp Genetics (formerly Invitae), Labcorp
Classification: Uncertain significance. Last evaluated: 2022-05-24. Review status: criteria provided, single submitter. Criteria: Invitae Variant Classification Sherloc (09022015). Collection method: clinical testing. Allele origin: germline.
Comment: This sequence change replaces leucine, which is neutral and non-polar, with phenylalanine, which is neutral and non-polar, at codon 11 of the IFT43 protein (p.Leu11Phe). This variant is present in population databases (rs756188997, gnomAD 0.04%). This variant has not been reported in the literature in individuals affected with IFT43-related conditions. Algorithms developed to predict the effect of missense changes on protein structure and function are either unavailable or do not agree on the potential impact of this missense change (SIFT: "Tolerated"; PolyPhen-2: "Not Available"; Align-GVGD: "Class C0"). In summary, the available evidence is currently insufficient to determine the role of this variant in disease. Therefore, it has been classified as a Variant of Uncertain Significance.

Fulgent Genetics
Classification: Uncertain significance for Cranioectodermal dysplasia 3; Short-rib thoracic dysplasia 18 with polydactyly; Retinitis pigmentosa 81. Last evaluated: 2022-04-15. Review status: criteria provided, single submitter. Criteria: ACMG Guidelines, 2015. Collection method: clinical testing. Allele origin: unknown.

NM_001102564.3(IFT43):c.31C>T (p.Leu11Phe)

Gene: IFT43 (intraflagellar transport 43; plus strand). Cytogenetic location: 14q24.3.
Variant type: single nucleotide variant.
Coding change: c.31C>T on transcript NM_001102564.3 (MANE Select); coding-DNA position 31, C replaced by T.
Protein change: p.Leu11Phe; replaces leucine 11 with phenylalanine.
Molecular consequence: missense variant. On other transcripts: non-coding transcript variant (2).
Genome position (GRCh38, 1-based): chr14:75,985,817, C>T. VCF-style: chr14-75985817-C-T. GRCh37 (hg19) VCF-style: chr14-76452160-C-T.
Other names: c.31C>T, p.Leu11Phe (NM_001255995.3, NM_052873.3); c.31C>T (NM_052873.2); short protein forms L11F.
Identifiers: ClinVar variation 1486763 (VCV001486763.7), dbSNP rs756188997, ClinGen allele CA7280582.